The following is an entry in ClinVar:

NM_181486.4(TBX5):c.834T>C (p.Ser278=)

Gene: TBX5 (T-box transcription factor 5; minus strand). Cytogenetic location: 12q24.21.
Variant type: single nucleotide variant.
Coding change: c.834T>C on transcript NM_181486.4 (MANE Select); coding-DNA position 834, T replaced by C.
Protein change: p.Ser278=; no amino-acid change (serine 278 retained).
Molecular consequence: synonymous variant.
Genome position (GRCh38, 1-based): chr12:114,366,313, A>G on the plus strand (T>C on the coding strand, the complement: TBX5 is on the minus strand). VCF-style: chr12-114366313-A-G. GRCh37 (hg19) VCF-style: chr12-114804118-A-G.
Other names: c.834T>C, p.Ser278= (NM_000192.3); c.684T>C, p.Ser228= (NM_080717.4).
Identifiers: ClinVar variation 519249 (VCV000519249.14), dbSNP rs142609815, ClinGen allele CA6809489.

ClinVar aggregate classification (germline): Likely benign. Review status: criteria provided, multiple submitters, no conflicts (2 of 4 stars). 4 submissions from 4 submitters: Likely benign (4). Last evaluated 2025-12-16.

Conditions:
Aortic valve disease 2 (AOVD2). Identifiers: MedGen C3542024, MONDO:0013902, OMIM 614823.
Cardiovascular phenotype. Identifiers: MedGen CN230736.

Allele frequency attached by ClinVar (database versions not stated): gnomAD exomes 0.00010 and 0.00023; gnomAD 0.00013 and 0.00014; TOPMed 0.00015; ExAC 0.00016; ESP Exome Variant Server 0.00054.
gnomAD v4.1: 358 of 1,613,940 alleles (0.022%); highest among the groups gnomAD compares: Non-Finnish European, 0.029%; no homozygotes.

Submissions (4):

Labcorp Genetics (formerly Invitae), Labcorp
Classification: Likely benign for Aortic valve disease 2. Last evaluated: 2025-12-16. Review status: criteria provided, single submitter. Criteria: Invitae Variant Classification Sherloc (09022015). Collection method: clinical testing. Allele origin: germline.

Molecular Diagnostic Laboratory for Inherited Cardiovascular Disease, Montreal Heart Institute
Classification: Likely benign. Last evaluated: 2025-04-09. Review status: criteria provided, single submitter. Criteria: ACMG Guidelines, 2015. Collection method: clinical testing. Allele origin: germline. Affected: no.
Comment: BP6;BP7

Blueprint Genetics
Classification: Likely benign. Last evaluated: 2024-11-26. Review status: criteria provided, single submitter. Criteria: ACMG Guidelines, 2015. Collection method: clinical testing. Allele origin: germline.

Ambry Genetics
Classification: Likely benign for Cardiovascular phenotype. Last evaluated: 2016-05-26. Review status: criteria provided, single submitter. Criteria: Ambry Variant Classification Scheme 2023. Collection method: clinical testing. Allele origin: germline.